The following is an entry in ClinVar:

ClinVar aggregate classification (germline): Conflicting classifications of pathogenicity. Review status: criteria provided, conflicting classifications (1 of 4 stars). 2 submissions from 2 submitters: Likely pathogenic (1); Uncertain significance (1). Last evaluated 2022-04-30.

Conditions:
Birt-Hogg-Dube syndrome. Also called: Birt Hogg Dubé syndrome. Identifiers: Orphanet 122, MedGen C0346010, MONDO:0800444.

Submissions (2):

Labcorp Genetics (formerly Invitae), Labcorp
Classification: Uncertain significance for Birt-Hogg-Dube syndrome. Last evaluated: 2022-04-30. Review status: criteria provided, single submitter. Criteria: Invitae Variant Classification Sherloc (09022015). Collection method: clinical testing. Allele origin: germline.
Comment: In summary, the available evidence is currently insufficient to determine the role of this variant in disease. Therefore, it has been classified as a Variant of Uncertain Significance. Algorithms developed to predict the effect of missense changes on protein structure and function are either unavailable or do not agree on the potential impact of this missense change (SIFT: "Tolerated"; PolyPhen-2: "Possibly Damaging"; Align-GVGD: "Class C0"). ClinVar contains an entry for this variant (Variation ID: 228263). This missense change has been observed in individuals with Birt-Hogg-Dube´ syndrome (PMID: 23414156; Invitae). This variant is not present in population databases (gnomAD no frequency). This sequence change replaces serine, which is neutral and polar, with proline, which is neutral and non-polar, at codon 185 of the FLCN protein (p.Ser185Pro).

Laboratory for Molecular Medicine, Mass General Brigham Personalized Medicine
Classification: Likely pathogenic for Birt-Hogg-Dube syndrome 1. Last evaluated: 2017-02-06. Review status: criteria provided, single submitter. Criteria: LMM Criteria. Collection method: clinical testing. Allele origin: germline. Observed: 2 variant alleles.
Comment: The p.Ser185Pro variant in FLCN has been reported in 1 individual with Birt Hogg Dube syndrome (BHDS), segregated with disease in 2 affected relatives (Mota-Bur gos 2013, LMM unpublished data), and was absent from large population studies. F LCN is the only gene known to be associated with BHDS and a disease causing vari ant is present in ~90% of patients. Other supporting evidence includes a strong evolutionary conservation of the affected amino acid, suggesting that a change w ould not be tolerated. In summary, although additional studies are required to f ully establish its clinical significance, the p.Ser185Pro variant is likely path ogenic.

Literature cited by the submitters: PubMed 23414156 (cited by Labcorp Genetics (formerly Invitae), Labcorp and Laboratory for Molecular Medicine, Mass General Brigham Personalized Medicine).

NM_144997.7(FLCN):c.553T>C (p.Ser185Pro)

Gene: FLCN (folliculin; minus strand). Cytogenetic location: 17p11.2.
Variant type: single nucleotide variant.
Coding change: c.553T>C on transcript NM_144997.7 (MANE Select); coding-DNA position 553, T replaced by C.
Protein change: p.Ser185Pro; replaces serine 185 with proline.
Molecular consequence: missense variant.
Genome position (GRCh38, 1-based): chr17:17,223,987, A>G on the plus strand (T>C on the coding strand, the complement: FLCN is on the minus strand). VCF-style: chr17-17223987-A-G. GRCh37 (hg19) VCF-style: chr17-17127301-A-G.
Other names: c.607T>C, p.Ser203Pro (NM_001353229.2); c.553T>C, p.Ser185Pro (NM_001353230.2, NM_001353231.2, NM_144606.7); short protein forms S185P, S203P.
Identifiers: ClinVar variation 228263 (VCV000228263.9), dbSNP rs876657646, ClinGen allele CA10577010.